The following is an entry in ClinVar:

ClinVar aggregate classification (germline): Uncertain significance (1 of 4 stars; one submission).

Allele frequency attached by ClinVar (database versions not stated): TOPMed 0.00001.
gnomAD v4.1: 1 of 1,613,818 alleles (0.000062%); highest among the groups gnomAD compares: Non-Finnish European, 0.000085%; no homozygotes.

Submission:

Center for Pediatric Genomic Medicine, Children's Mercy Hospital and Clinics
Classification: Uncertain significance. Last evaluated: 2017-02-09. Review status: criteria provided, single submitter. Criteria: ACMG Guidelines, 2015. Collection method: clinical testing. Allele origin: germline.
ClinVar note: Converted during submission from Uncertain Significance to Uncertain significance.

NM_014363.6(SACS):c.6512C>G (p.Ala2171Gly)

Gene: SACS (sacsin molecular chaperone; minus strand). Cytogenetic location: 13q12.12.
Variant type: single nucleotide variant.
Coding change: c.6512C>G on transcript NM_014363.6 (MANE Select); coding-DNA position 6512, C replaced by G.
Protein change: p.Ala2171Gly; replaces alanine 2171 with glycine.
Molecular consequence: missense variant.
Genome position (GRCh38, 1-based): chr13:23,337,364, G>C on the plus strand (C>G on the coding strand, the complement: SACS is on the minus strand). VCF-style: chr13-23337364-G-C. GRCh37 (hg19) VCF-style: chr13-23911503-G-C.
Other names: c.6071C>G, p.Ala2024Gly (NM_001278055.2); short protein forms A2171G, A2024G.
Identifiers: ClinVar variation 377231 (VCV000377231.3), dbSNP rs765626875, ClinGen allele CA16603310.